The following is an entry in ClinVar:

NM_004186.5(SEMA3F):c.672C>T (p.Ile224=)

Gene: SEMA3F (semaphorin 3F; plus strand). Cytogenetic location: 3p21.31.
Variant type: single nucleotide variant.
Coding change: c.672C>T on transcript NM_004186.5 (MANE Select); coding-DNA position 672, C replaced by T.
Protein change: p.Ile224=; no amino-acid change (isoleucine 224 retained).
Molecular consequence: synonymous variant.
Genome position (GRCh38, 1-based): chr3:50,182,312, C>T. VCF-style: chr3-50182312-C-T. GRCh37 (hg19) VCF-style: chr3-50219745-C-T.
Other names: c.375C>T, p.Ile125= (NM_001318798.2); c.579C>T, p.Ile193= (NM_001318800.2).
Identifiers: ClinVar variation 3354710 (VCV003354710.1).

ClinVar aggregate classification (germline): Likely benign (0 of 4 stars; one submission).

Conditions:
SEMA3F-related disorder. Also called: SEMA3F-related condition.

gnomAD v4.1: 11 of 1,613,978 alleles (0.00068%); highest among the groups gnomAD compares: Admixed American, 0.005%; no homozygotes.

Submission:

PreventionGenetics, part of Exact Sciences
Classification: Likely benign for SEMA3F-related condition. Last evaluated: 2022-10-24. Review status: no assertion criteria provided. Collection method: clinical testing. Allele origin: germline.
Comment: This variant is classified as likely benign based on ACMG/AMP sequence variant interpretation guidelines (Richards et al. 2015 PMID: 25741868, with internal and published modifications).